The following is an entry in ClinVar:

NM_001174089.2(SLC4A11):c.902C>T (p.Thr301Met)

Gene: SLC4A11 (solute carrier family 4 member 11; minus strand). Cytogenetic location: 20p13.
Variant type: single nucleotide variant.
Coding change: c.902C>T on transcript NM_001174089.2 (MANE Select); coding-DNA position 902, C replaced by T.
Protein change: p.Thr301Met; replaces threonine 301 with methionine.
Molecular consequence: missense variant. On other transcripts: non-coding transcript variant (1).
Genome position (GRCh38, 1-based): chr20:3,231,376, G>A on the plus strand (C>T on the coding strand, the complement: SLC4A11 is on the minus strand). VCF-style: chr20-3231376-G-A. GRCh37 (hg19) VCF-style: chr20-3212022-G-A.
Other names: c.1031C>T, p.Thr344Met (NM_001174090.2); c.902C>T, p.Thr301Met (NM_001363745.2); c.950C>T, p.Thr317Met (NM_032034.4); short protein forms T344M, T317M, T301M.
Identifiers: ClinVar variation 1410720 (VCV001410720.6), dbSNP rs139941321, ClinGen allele CA9742099.

ClinVar aggregate classification (germline): Conflicting classifications of pathogenicity. Review status: criteria provided, conflicting classifications (1 of 4 stars). 3 submissions from 3 submitters: Uncertain significance (1); Likely benign (2). Last evaluated 2026-01-25.

Conditions:
Inborn genetic diseases. Identifiers: MedGen C0950123, MeSH D030342.

Allele frequency attached by ClinVar (database versions not stated): gnomAD exomes 0.00011 and 0.00014; ExAC 0.00013; ESP Exome Variant Server 0.00015; 1000 Genomes Project 30x 0.00016; 1000 Genomes Project 0.00020; TOPMed 0.00021; gnomAD 0.00023.
gnomAD v4.1: 205 of 1,614,086 alleles (0.013%); highest among the groups gnomAD compares: African/African-American, 0.045%; no homozygotes.

Submissions (3):

Labcorp Genetics (formerly Invitae), Labcorp
Classification: Likely benign. Last evaluated: 2026-01-25. Review status: criteria provided, single submitter. Criteria: Invitae Variant Classification Sherloc (09022015). Collection method: clinical testing. Allele origin: germline.

Ambry Genetics
Classification: Likely benign for Inborn genetic diseases. Last evaluated: 2023-08-20. Review status: criteria provided, single submitter. Criteria: Ambry Variant Classification Scheme 2023. Collection method: clinical testing. Allele origin: germline.

Women's Health and Genetics/Laboratory Corporation of America, LabCorp
Classification: Uncertain significance. Last evaluated: 2022-07-12. Review status: criteria provided, single submitter. Criteria: LabCorp Variant Classification Summary - May 2015. Collection method: clinical testing. Allele origin: germline.
Comment: Variant summary: SLC4A11 c.950C>T (p.Thr317Met) results in a non-conservative amino acid change in the encoded protein sequence. Three of five in-silico tools predict a benign effect of the variant on protein function. The variant allele was found at a frequency of 0.00014 in 251388 control chromosomes (gnomAD). This frequency is not higher than expected for a pathogenic variant in SLC4A11 causing Corneal Dystrophy And Perceptive Deafness (0.00014 vs 0.0011), allowing no conclusion about variant significance. To our knowledge, no occurrence of c.950C>T in individuals affected with Corneal Dystrophy And Perceptive Deafness and no experimental evidence demonstrating its impact on protein function have been reported. No clinical diagnostic laboratories have submitted clinical-significance assessments for this variant to ClinVar after 2014. Based on the evidence outlined above, the variant was classified as uncertain significance.